The following is an entry in ClinVar:

NM_006231.4(POLE):c.2668A>G (p.Ile890Val)

Gene: POLE (DNA polymerase epsilon, catalytic subunit; minus strand). Cytogenetic location: 12q24.33.
Variant type: single nucleotide variant.
Coding change: c.2668A>G on transcript NM_006231.4 (MANE Select); coding-DNA position 2668, A replaced by G.
Protein change: p.Ile890Val; replaces isoleucine 890 with valine.
Molecular consequence: missense variant.
Genome position (GRCh38, 1-based): chr12:132,664,042, T>C on the plus strand (A>G on the coding strand, the complement: POLE is on the minus strand). VCF-style: chr12-132664042-T-C. GRCh37 (hg19) VCF-style: chr12-133240628-T-C.
Other names: c.2668A>G (NM_006231.2); short protein forms I890V.
Identifiers: ClinVar variation 540737 (VCV000540737.20), dbSNP rs749012938, ClinGen allele CA6893481.

ClinVar aggregate classification (germline): Conflicting classifications of pathogenicity. Review status: criteria provided, conflicting classifications (1 of 4 stars). 4 submissions from 4 submitters: Uncertain significance (3); Likely benign (1). Last evaluated 2026-02-03.

Conditions:
Hereditary cancer-predisposing syndrome. Also called: Neoplastic Syndromes, Hereditary; Hereditary Cancer Syndrome; Hereditary neoplastic syndrome; Tumor predisposition. Identifiers: Orphanet 140162, MedGen C0027672, MeSH D009386, MONDO:0015356.

Allele frequency attached by ClinVar (database versions not stated): ExAC 0.00001; gnomAD 0.00001; gnomAD exomes 0.00001 and 0.00002; TOPMed 0.00001.
gnomAD v4.1: 19 of 1,614,064 alleles (0.0012%); highest among the groups gnomAD compares: Non-Finnish European, 0.0016%; no homozygotes.

Submissions (4):

Labcorp Genetics (formerly Invitae), Labcorp
Classification: Uncertain significance. Last evaluated: 2026-02-03. Review status: criteria provided, single submitter. Criteria: Invitae Variant Classification Sherloc (09022015). Collection method: clinical testing. Allele origin: germline.
Comment: This sequence change replaces isoleucine, which is neutral and non-polar, with valine, which is neutral and non-polar, at codon 890 of the POLE protein (p.Ile890Val). This variant is present in population databases (rs749012938, gnomAD 0.005%). This variant has not been reported in the literature in individuals affected with POLE-related conditions. ClinVar contains an entry for this variant (Variation ID: 540737). Invitae Evidence Modeling of protein sequence and biophysical properties (such as structural, functional, and spatial information, amino acid conservation, physicochemical variation, residue mobility, and thermodynamic stability) indicates that this missense variant is not expected to disrupt POLE protein function with a negative predictive value of 80%. In summary, the available evidence is currently insufficient to determine the role of this variant in disease. Therefore, it has been classified as a Variant of Uncertain Significance.

ARUP Laboratories, Molecular Genetics and Genomics, ARUP Laboratories
Classification: Uncertain significance. Last evaluated: 2024-12-18. Review status: criteria provided, single submitter. Criteria: ARUP Molecular Germline Variant Investigation Process 2024. Collection method: clinical testing. Allele origin: germline.
Comment: The POLE c.2668A>G ; p.Ile890Val variant (rs749012938), to our knowledge, is not reported in the medical literature but is reported in ClinVar (Variation ID: 540737). This variant is only observed on six alleles in the Genome Aggregation Database (v2.1.1), indicating it is not a common polymorphism. The isoleucine at codon 890 is moderately conserved, and computational analyses predict that this variant is neutral (REVEL:0.096). This variant is not located in the exonuclease domain (Palles 2013), and gene-disease association has not been established for variants outside of the exonuclease domain (Seifert 2019). However, due to limited information, the clinical significance of this variant is uncertain at this time. References: Palles C et al. Germline mutations affecting the proofreading domains of POLE and POLD1 predispose to colorectal adenomas and carcinomas. Nat Genet. 2013 Feb;45(2):136-44. Logan CV et al. DNA Polymerase Epsilon Deficiency Causes IMAGe Syndrome with Variable Immunodeficiency. Am J Hum Genet. 2018 Dec 6;103(6):1038-1044. PMID: 30503519

Ambry Genetics
Classification: Likely benign for Hereditary cancer-predisposing syndrome. Last evaluated: 2024-12-13. Review status: criteria provided, single submitter. Criteria: Ambry Variant Classification Scheme 2023. Collection method: clinical testing. Allele origin: germline.

GeneDx
Classification: Uncertain significance. Last evaluated: 2023-12-18. Review status: criteria provided, single submitter. Criteria: GeneDx Variant Classification Process June 2021. Collection method: clinical testing. Allele origin: germline. Affected: yes.
Comment: In silico analysis supports that this missense variant does not alter protein structure/function; Has not been previously published as pathogenic or benign to our knowledge; This variant is associated with the following publications: (PMID: 20951805)